The following is an entry in ClinVar:

ClinVar aggregate classification (germline): Uncertain significance (1 of 4 stars; one submission).

Conditions:
Schuurs-Hoeijmakers syndrome. Also called: PACS1-Related Neurodevelopmental Disorder. Identifiers: Orphanet 329224, MedGen C3554343, MONDO:0014006, OMIM 615009.

Submission:

Labcorp Genetics (formerly Invitae), Labcorp
Classification: Uncertain significance for Schuurs-Hoeijmakers syndrome. Last evaluated: 2024-10-21. Review status: criteria provided, single submitter. Criteria: Invitae Variant Classification Sherloc (09022015). Collection method: clinical testing. Allele origin: germline.
Comment: This sequence change replaces leucine, which is neutral and non-polar, with proline, which is neutral and non-polar, at codon 513 of the PACS1 protein (p.Leu513Pro). This variant is not present in population databases (gnomAD no frequency). This variant has not been reported in the literature in individuals affected with PACS1-related conditions. Invitae Evidence Modeling of protein sequence and biophysical properties (such as structural, functional, and spatial information, amino acid conservation, physicochemical variation, residue mobility, and thermodynamic stability) indicates that this missense variant is not expected to disrupt PACS1 protein function with a negative predictive value of 80%. In summary, the available evidence is currently insufficient to determine the role of this variant in disease. Therefore, it has been classified as a Variant of Uncertain Significance.

NM_018026.4(PACS1):c.1538T>C (p.Leu513Pro)

Gene: PACS1 (phosphofurin acidic cluster sorting protein 1; plus strand). Cytogenetic location: 11q13.2.
Variant type: single nucleotide variant.
Coding change: c.1538T>C on transcript NM_018026.4 (MANE Select); coding-DNA position 1538, T replaced by C.
Protein change: p.Leu513Pro; replaces leucine 513 with proline.
Molecular consequence: missense variant.
Genome position (GRCh38, 1-based): chr11:66,230,852, T>C. VCF-style: chr11-66230852-T-C. GRCh37 (hg19) VCF-style: chr11-65998323-T-C.
Other names: short protein forms L513P.
Identifiers: ClinVar variation 3665320 (VCV003665320.2).